The following is an entry in ClinVar:

NM_032444.4(SLX4):c.2469G>A (p.Trp823Ter)

Gene: SLX4 (SLX4 structure-specific endonuclease subunit; minus strand). Cytogenetic location: 16p13.3.
Variant type: single nucleotide variant.
Coding change: c.2469G>A on transcript NM_032444.4 (MANE Select); coding-DNA position 2469, G replaced by A.
Protein change: p.Trp823Ter; replaces tryptophan 823 with a stop codon.
Molecular consequence: nonsense.
Genome position (GRCh38, 1-based): chr16:3,591,169, C>T on the plus strand (G>A on the coding strand, the complement: SLX4 is on the minus strand). VCF-style: chr16-3591169-C-T. GRCh37 (hg19) VCF-style: chr16-3641170-C-T.
Other names: short protein forms W823*.
Identifiers: ClinVar variation 1366481 (VCV001366481.8), dbSNP rs1267428175, ClinGen allele CA394523840.
Genomic context (GRCh38, chr16:3,591,169, plus strand): 5'-TTGATCTTCTTCGTGGTCCTTGGATTTCAACAAAGTCTCCGCTTCCTCCTCTTCATCTGC[C>T]CACATTGACCTCAAGAGTTCCTGGAAATTCTCGGCCCTGCTTTCGCAATTCTCTGCTTCC-3'

ClinVar aggregate classification (germline): Pathogenic/Likely pathogenic. Review status: criteria provided, multiple submitters, no conflicts (2 of 4 stars). 2 submissions from 2 submitters: Pathogenic (1); Likely pathogenic (1). Last evaluated 2025-08-06.

Conditions:
Fanconi anemia complementation group P. Also called: SLX4-Related Fanconi Anemia. Identifiers: Orphanet 84, MedGen C3469542, MONDO:0013499, OMIM 613951.
Fanconi anemia (FA). Also called: Fanconi's anemia. Identifiers: Orphanet 84, MedGen C0015625, MeSH D005199, MONDO:0019391.

Allele frequency attached by ClinVar (database versions not stated): gnomAD exomes below 0.00001 and 0.00001; gnomAD 0.00001; TOPMed 0.00002.
gnomAD v4.1: 5 of 1,614,078 alleles (0.00031%); highest among the groups gnomAD compares: Non-Finnish European, 0.00034%; no homozygotes.

Submissions (2):

Labcorp Genetics (formerly Invitae), Labcorp
Classification: Pathogenic for Fanconi anemia. Last evaluated: 2025-08-06. Review status: criteria provided, single submitter. Criteria: Invitae Variant Classification Sherloc (09022015). Collection method: clinical testing. Allele origin: germline.
Comment: This sequence change creates a premature translational stop signal (p.Trp823*) in the SLX4 gene. It is expected to result in an absent or disrupted protein product. Loss-of-function variants in SLX4 are known to be pathogenic (PMID: 21240277). This variant is present in population databases (no rsID available, gnomAD 0.004%). This premature translational stop signal has been observed in individual(s) with a personal and family history of breast cancer (PMID: 23840564). ClinVar contains an entry for this variant (Variation ID: 1366481). For these reasons, this variant has been classified as Pathogenic.

Fulgent Genetics
Classification: Likely pathogenic for Fanconi anemia complementation group P. Last evaluated: 2024-04-24. Review status: criteria provided, single submitter. Criteria: ACMG Guidelines, 2015. Collection method: clinical testing. Allele origin: germline.

Literature cited by the submitters: PubMed 21240277 (cited by Labcorp Genetics (formerly Invitae), Labcorp); PubMed 23840564 (cited by Labcorp Genetics (formerly Invitae), Labcorp).